The following is an entry in ClinVar:

ClinVar aggregate classification (germline): Uncertain significance (1 of 4 stars; one submission).

Conditions:
Nephronophthisis. Also called: Juvenile Nephronophthisis. Identifiers: Orphanet 655, MedGen C0687120, MONDO:0019005, HP:0000090.

Allele frequency attached by ClinVar (database versions not stated): gnomAD exomes below 0.00001.
gnomAD v4.1: 1 of 1,609,284 alleles (0.000062%); highest among the groups gnomAD compares: South Asian, 0.0011%; no homozygotes.

Submission:

Labcorp Genetics (formerly Invitae), Labcorp
Classification: Uncertain significance for Nephronophthisis. Last evaluated: 2022-08-16. Review status: criteria provided, single submitter. Criteria: Invitae Variant Classification Sherloc (09022015). Collection method: clinical testing. Allele origin: germline.
Comment: In summary, the available evidence is currently insufficient to determine the role of this variant in disease. Therefore, it has been classified as a Variant of Uncertain Significance. Algorithms developed to predict the effect of missense changes on protein structure and function output the following: SIFT: "Tolerated"; PolyPhen-2: "Benign"; Align-GVGD: "Class C0". The leucine amino acid residue is found in multiple mammalian species, which suggests that this missense change does not adversely affect protein function. ClinVar contains an entry for this variant (Variation ID: 1422068). This variant has not been reported in the literature in individuals affected with NPHP4-related conditions. This variant is not present in population databases (gnomAD no frequency). This sequence change replaces methionine, which is neutral and non-polar, with leucine, which is neutral and non-polar, at codon 767 of the NPHP4 protein (p.Met767Leu).

NM_015102.5(NPHP4):c.2299A>T (p.Met767Leu)

Gene: NPHP4 (nephrocystin 4; minus strand). Cytogenetic location: 1p36.31.
Variant type: single nucleotide variant.
Coding change: c.2299A>T on transcript NM_015102.5 (MANE Select); coding-DNA position 2299, A replaced by T.
Protein change: p.Met767Leu; replaces methionine 767 with leucine.
Molecular consequence: missense variant. On other transcripts: non-coding transcript variant (1).
Genome position (GRCh38, 1-based): chr1:5,890,873, T>A on the plus strand (A>T on the coding strand, the complement: NPHP4 is on the minus strand). VCF-style: chr1-5890873-T-A. GRCh37 (hg19) VCF-style: chr1-5950933-T-A.
Other names: c.760A>T, p.Met254Leu (NM_001291593.2); c.763A>T, p.Met255Leu (NM_001291594.2); short protein forms M255L, M767L, M254L.
Identifiers: ClinVar variation 1422068 (VCV001422068.6), dbSNP rs1485681184, ClinGen allele CA338059233.